The following is an entry in ClinVar:

ClinVar aggregate classification (germline): Uncertain significance. Review status: criteria provided, multiple submitters, no conflicts (2 of 4 stars). 2 submissions from 2 submitters: Uncertain significance (2). Last evaluated 2026-04-04.

Conditions:
Hereditary cancer-predisposing syndrome. Also called: Tumor predisposition; Hereditary neoplastic syndrome; Neoplastic Syndromes, Hereditary; Hereditary Cancer Syndrome. Identifiers: Orphanet 140162, MedGen C0027672, MeSH D009386, MONDO:0015356.
Cardiovascular phenotype. Identifiers: MedGen CN230736.

Submissions (2):

Ambry Genetics
Classification: Uncertain significance for Cardiovascular phenotype; Hereditary cancer-predisposing syndrome. Last evaluated: 2026-04-04. Review status: criteria provided, single submitter. Criteria: Ambry Variant Classification Scheme 2023. Collection method: clinical testing. Allele origin: germline.
Comment: The p.R567L variant (also known as c.1700G>T), located in coding exon 15 of the LZTR1 gene, results from a G to T substitution at nucleotide position 1700. The arginine at codon 567 is replaced by leucine, an amino acid with dissimilar properties. This amino acid position is conserved. In addition, this alteration is predicted to be tolerated by in silico analysis. Based on the available evidence, the clinical significance of this variant remains unclear.

Labcorp Genetics (formerly Invitae), Labcorp
Classification: Uncertain significance. Last evaluated: 2025-08-04. Review status: criteria provided, single submitter. Criteria: Invitae Variant Classification Sherloc (09022015). Collection method: clinical testing. Allele origin: germline.
Comment: This sequence change replaces arginine, which is basic and polar, with leucine, which is neutral and non-polar, at codon 567 of the LZTR1 protein (p.Arg567Leu). This variant is not present in population databases (gnomAD no frequency). This variant has not been reported in the literature in individuals affected with LZTR1-related conditions. ClinVar contains an entry for this variant (Variation ID: 2806378). Invitae Evidence Modeling of protein sequence and biophysical properties (such as structural, functional, and spatial information, amino acid conservation, physicochemical variation, residue mobility, and thermodynamic stability) indicates that this missense variant is not expected to disrupt LZTR1 protein function with a negative predictive value of 80%. In summary, the available evidence is currently insufficient to determine the role of this variant in disease. Therefore, it has been classified as a Variant of Uncertain Significance.

NM_006767.4(LZTR1):c.1700G>T (p.Arg567Leu)

Gene: LZTR1 (leucine zipper like post translational regulator 1; plus strand). Cytogenetic location: 22q11.21.
Variant type: single nucleotide variant.
Coding change: c.1700G>T on transcript NM_006767.4 (MANE Select); coding-DNA position 1700, G replaced by T.
Protein change: p.Arg567Leu; replaces arginine 567 with leucine.
Molecular consequence: missense variant.
Genome position (GRCh38, 1-based): chr22:20,994,642, G>T. VCF-style: chr22-20994642-G-T. GRCh37 (hg19) VCF-style: chr22-21348931-G-T.
Other names: c.1700G>T (NM_006767.3); short protein forms R567L.
Identifiers: ClinVar variation 2806378 (VCV002806378.4), dbSNP rs372417941, ClinGen allele CA410777889.